The following is an entry in ClinVar:

ClinVar aggregate classification (germline): Uncertain significance (1 of 4 stars; one submission).

Submission:

Dasa
Classification: Uncertain significance. Last evaluated: 2025-10-17. Review status: criteria provided, single submitter. Criteria: DASA Assertion Criteria. Collection method: clinical testing. Allele origin: germline.
Comment: NM_005002.5(NDUFA9):c.49+365_49+371del is an intronic variant. This variant is rare in population databases. The currently available literature and clinical evidence are not sufficient to establish a definitive association between this variant and the reported condition. Therefore, this variant is classified as a variant of uncertain significance.

NM_005002.5(NDUFA9):c.49+365_49+371del

Gene: NDUFA9 (NADH:ubiquinone oxidoreductase subunit A9; plus strand). Cytogenetic location: 12p13.32.
Variant type: Deletion.
Coding change: c.49+365_49+371del on transcript NM_005002.5 (MANE Select); bases 365 to 371 of the intron after coding-DNA position 49, 7 bases deleted (TAGTGGC; older notation c.49+365_49+371delTAGTGGC).
Molecular consequence: intron variant.
Genome position (GRCh38, 1-based): chr12:4,649,540-4,649,546, TAGTGGC deleted; deleting any 7 consecutive bases within chr12:4,649,537-4,649,546 gives the same sequence; the c. name uses the placement nearest the transcript's 3' end. VCF-style (leftmost placement, unchanged base first): chr12-4649536-AGGCTAGT-A. GRCh37 (hg19) VCF-style: chr12-4758702-AGGCTAGT-A.
Identifiers: ClinVar variation 4884101 (VCV004884101.2).